The following is an entry in ClinVar:

NM_002485.5(NBN):c.992_994+3del

Gene: NBN (nibrin; minus strand). Cytogenetic location: 8q21.3.
Variant type: Deletion.
Coding change: c.992_994+3del on transcript NM_002485.5 (MANE Select); coding-DNA position 992 through 3 bases into the intron after coding-DNA position 994, 6 bases deleted (CAGGTA; older notation c.992_994+3delCAGGTA).
Molecular consequence: splice donor variant.
Genome position (GRCh38, 1-based): chr8:89,964,407-89,964,412, TACCTG deleted on the plus strand (CAGGTA on the coding strand, the reverse complement: NBN is on the minus strand); deleting any 6 consecutive bases within chr8:89,964,407-89,964,415 gives the same sequence; the c. name uses the placement nearest the transcript's 3' end. VCF-style (leftmost placement, unchanged base first): chr8-89964406-TTACCTG-T. GRCh37 (hg19) VCF-style: chr8-90976634-TTACCTG-T.
Other names: c.746_748+3del (NM_001024688.3).
Identifiers: ClinVar variation 581757 (VCV000581757.6), dbSNP rs1563548315, ClinGen allele CA891842845.

ClinVar aggregate classification (germline): Pathogenic (1 of 4 stars; one submission).

Conditions:
Microcephaly, normal intelligence and immunodeficiency (NBS). Also called: Ataxia telangiectasia variant V1; SEEMANOVA SYNDROME II; Immunodeficiency, microcephaly with normal intelligence; Nijmegen breakage syndrome; Microcephaly with normal intelligence immunodeficiency and lymphoreticular malignancies; Nonsyndromal microcephaly autosomal recessive with normal intelligence. Identifiers: Orphanet 647, MedGen C0398791, MONDO:0009623, OMIM 251260.

Submission:

Labcorp Genetics (formerly Invitae), Labcorp
Classification: Pathogenic for Microcephaly, normal intelligence and immunodeficiency. Last evaluated: 2021-12-07. Review status: criteria provided, single submitter. Criteria: Invitae Variant Classification Sherloc (09022015). Collection method: clinical testing. Allele origin: germline.
Comment: This variant results in the deletion of part of exon 8 (c.992_994+3del) of the NBN gene. It is expected to disrupt RNA splicing. Variants that disrupt the donor or acceptor splice site typically lead to a loss of protein function (PMID: 16199547), and loss-of-function variants in NBN are known to be pathogenic (PMID: 9590180, 16415040). This variant is not present in population databases (gnomAD no frequency). This variant has not been reported in the literature in individuals affected with NBN-related conditions. ClinVar contains an entry for this variant (Variation ID: 581757). Algorithms developed to predict the effect of sequence changes on RNA splicing suggest that this variant may disrupt the consensus splice site. For these reasons, this variant has been classified as Pathogenic.

Literature cited by the submitters: PubMed 16199547; PubMed 9590180; PubMed 16415040.